The following is an entry in ClinVar:

ClinVar aggregate classification (germline): Uncertain significance (1 of 4 stars; one submission).

gnomAD v4.1: 4 of 1,612,844 alleles (0.00025%); highest among the groups gnomAD compares: Non-Finnish European, 0.00034%; no homozygotes.

Submission:

Labcorp Genetics (formerly Invitae), Labcorp
Classification: Uncertain significance. Last evaluated: 2024-09-19. Review status: criteria provided, single submitter. Criteria: Invitae Variant Classification Sherloc (09022015). Collection method: clinical testing. Allele origin: germline.
Comment: This sequence change replaces arginine, which is basic and polar, with tryptophan, which is neutral and slightly polar, at codon 1077 of the KDM5A protein (p.Arg1077Trp). This variant is present in population databases (rs749749464, gnomAD 0.002%). This variant has not been reported in the literature in individuals affected with KDM5A-related conditions. Invitae Evidence Modeling of protein sequence and biophysical properties (such as structural, functional, and spatial information, amino acid conservation, physicochemical variation, residue mobility, and thermodynamic stability) indicates that this missense variant is not expected to disrupt KDM5A protein function with a negative predictive value of 80%. In summary, the available evidence is currently insufficient to determine the role of this variant in disease. Therefore, it has been classified as a Variant of Uncertain Significance.

NM_001042603.3(KDM5A):c.3229C>T (p.Arg1077Trp)

Gene: KDM5A (lysine demethylase 5A; minus strand). Cytogenetic location: 12p13.33.
Variant type: single nucleotide variant.
Coding change: c.3229C>T on transcript NM_001042603.3 (MANE Select); coding-DNA position 3229, C replaced by T.
Protein change: p.Arg1077Trp; replaces arginine 1077 with tryptophan.
Molecular consequence: missense variant.
Genome position (GRCh38, 1-based): chr12:309,952, G>A on the plus strand (C>T on the coding strand, the complement: KDM5A is on the minus strand). VCF-style: chr12-309952-G-A. GRCh37 (hg19) VCF-style: chr12-419118-G-A.
Other names: short protein forms R1077W.
Identifiers: ClinVar variation 3714149 (VCV003714149.2).
Genomic context (GRCh38, chr12:309,952, plus strand): 5'-TTAGTTCTTTTACTTTTTTCCTCCTATTTTTGCCACTCCCATATACACCAATGTCGGTCC[G>A]GGGGCTCAGCACCTACAAAAATAAAACCACCATTATAAACTCTGGTTTTGAAAATAATCT-3'
Protein context (NP_001036068.1, residues 1067-1087): SHTLLQVLSP[Arg1077Trp]TDIGVYGSGK